The following is an entry in ClinVar:

ClinVar aggregate classification (germline): Uncertain significance (1 of 4 stars; one submission).

Allele frequency attached by ClinVar (database versions not stated): ExAC 0.00001; gnomAD 0.00001; TOPMed 0.00004.
gnomAD v4.1: 9 of 1,613,788 alleles (0.00056%); highest among the groups gnomAD compares: East Asian, 0.0022%; no homozygotes.

Submission:

Labcorp Genetics (formerly Invitae), Labcorp
Classification: Uncertain significance. Last evaluated: 2025-09-08. Review status: criteria provided, single submitter. Criteria: Invitae Variant Classification Sherloc (09022015). Collection method: clinical testing. Allele origin: germline.
Comment: This sequence change replaces proline, which is neutral and non-polar, with alanine, which is neutral and non-polar, at codon 738 of the EMC1 protein (p.Pro738Ala). This variant is present in population databases (rs766462471, gnomAD 0.003%). This variant has not been reported in the literature in individuals affected with EMC1-related conditions. ClinVar contains an entry for this variant (Variation ID: 1986100). Invitae Evidence Modeling of protein sequence and biophysical properties (such as structural, functional, and spatial information, amino acid conservation, physicochemical variation, residue mobility, and thermodynamic stability) indicates that this missense variant is expected to disrupt EMC1 protein function with a positive predictive value of 80%. In summary, the available evidence is currently insufficient to determine the role of this variant in disease. Therefore, it has been classified as a Variant of Uncertain Significance.

NM_015047.3(EMC1):c.2212C>G (p.Pro738Ala)

Genes: EMC1 (ER membrane protein complex subunit 1; minus strand), EMC1-AS1 (EMC1 antisense RNA 1; plus strand). Cytogenetic location: 1p36.13.
Variant type: single nucleotide variant.
Coding change: c.2212C>G on transcript NM_015047.3 (MANE Select); coding-DNA position 2212, C replaced by G.
Protein change: p.Pro738Ala; replaces proline 738 with alanine.
Molecular consequence: missense variant.
Genome position (GRCh38, 1-based): chr1:19,223,560, G>C on the plus strand (C>G on the coding strand, the complement: EMC1 is on the minus strand). VCF-style: chr1-19223560-G-C. GRCh37 (hg19) VCF-style: chr1-19550054-G-C.
Other names: c.2209C>G, p.Pro737Ala (NM_001271427.2, NM_001271428.2); c.2146C>G, p.Pro716Ala (NM_001271429.2); c.2221C>G, p.Pro741Ala (NM_001375820.1); c.2218C>G, p.Pro740Ala (NM_001375821.1); short protein forms P738A, P716A, P737A, P741A, P740A.
Identifiers: ClinVar variation 1986100 (VCV001986100.4), dbSNP rs766462471, ClinGen allele CA652345.